The following is an entry in ClinVar:

NM_001010909.5(MUC21):c.468C>T (p.Ser156=)

Gene: MUC21 (mucin 21, cell surface associated; plus strand). Cytogenetic location: 6p21.33.
Variant type: single nucleotide variant.
Coding change: c.468C>T on transcript NM_001010909.5 (MANE Select); coding-DNA position 468, C replaced by T.
Protein change: p.Ser156=; no amino-acid change (serine 156 retained).
Molecular consequence: synonymous variant. On other transcripts: non-coding transcript variant (1).
Genome position (GRCh38, 1-based): chr6:30,986,643, C>T. VCF-style: chr6-30986643-C-T. GRCh37 (hg19) VCF-style: chr6-30954420-C-T.
Identifiers: ClinVar variation 5041149 (VCV005041149.1).
Genomic context (GRCh38, chr6:30,986,643, plus strand): 5'-CAACTCTGACTCCAGCACAACCTCCAGTGGGGCTAGCACAGCCACCAACTCTGACTCCAG[C>T]ACAACCTCCAGTGAGGCCAGCACAGCCACCAACTCTGAGTCCAGCACAACCTCCAGTGGG-3'
Protein context (NP_001010909.2, residues 146-166): GASTATNSDS[Ser156=]TTSSEASTAT

ClinVar aggregate classification (germline): Likely benign (1 of 4 stars; one submission).

Submission:

CeGaT Center for Human Genetics Tuebingen
Classification: Likely benign. Last evaluated: 2026-09-01. Review status: criteria provided, single submitter. Criteria: CeGaT Center For Human Genetics Tuebingen Variant Classification Criteria Version 2. Collection method: clinical testing. Allele origin: germline. Affected: yes. Observed: 1 variant allele.
Comment: MUC21: BP4, BP7